The following is an entry in ClinVar:

ClinVar aggregate classification (germline): Uncertain significance (1 of 4 stars; one submission).

gnomAD v4.1: 6 of 1,614,192 alleles (0.00037%); highest among the groups gnomAD compares: Non-Finnish European, 0.00042%; no homozygotes.

Submission:

Labcorp Genetics (formerly Invitae), Labcorp
Classification: Uncertain significance. Last evaluated: 2022-03-10. Review status: criteria provided, single submitter. Criteria: Invitae Variant Classification Sherloc (09022015). Collection method: clinical testing. Allele origin: germline.
Comment: This sequence change replaces threonine, which is neutral and polar, with arginine, which is basic and polar, at codon 1510 of the ALPK3 protein (p.Thr1510Arg). In summary, the available evidence is currently insufficient to determine the role of this variant in disease. Therefore, it has been classified as a Variant of Uncertain Significance. Algorithms developed to predict the effect of missense changes on protein structure and function are either unavailable or do not agree on the potential impact of this missense change (SIFT: "Tolerated"; PolyPhen-2: "Probably Damaging"; Align-GVGD: "Class C0"). This variant has not been reported in the literature in individuals affected with ALPK3-related conditions. This variant is present in population databases (no rsID available, gnomAD 0.0009%).

NM_020778.5(ALPK3):c.3923C>G (p.Thr1308Arg)

Gene: ALPK3 (alpha kinase 3; plus strand). Cytogenetic location: 15q25.3.
Variant type: single nucleotide variant.
Coding change: c.3923C>G on transcript NM_020778.5 (MANE Select); coding-DNA position 3923, C replaced by G.
Protein change: p.Thr1308Arg; replaces threonine 1308 with arginine.
Molecular consequence: missense variant.
Genome position (GRCh38, 1-based): chr15:84,859,348, C>G. VCF-style: chr15-84859348-C-G. GRCh37 (hg19) VCF-style: chr15-85402579-C-G.
Other names: short protein forms T1308R.
Identifiers: ClinVar variation 2108364 (VCV002108364.4), dbSNP rs1388644842, ClinGen allele CA393361596.
Genomic context (GRCh38, chr15:84,859,348, plus strand): 5'-CCTCCGGTAGCCTGAAGCTGTGGTGCCAGTTTTTCAACATTCTTAGTGACTCAGTCTTGA[C>G]ATGGGCCAAGGATCAGCGCCCAGTGGGCGAGGTGGGCAGGAGGTAAGCCAACGACACCAC-3'
Protein context (NP_065829.4, residues 1298-1318): FFNILSDSVL[Thr1308Arg]WAKDQRPVGE